The following is an entry in ClinVar:

ClinVar aggregate classification (germline): Benign (0 of 4 stars; one submission).

Conditions:
SHROOM2-related disorder. Also called: SHROOM2-related condition.

Allele frequency attached by ClinVar (database versions not stated): gnomAD exomes 0.00151; ExAC 0.01210; gnomAD 0.01466; 1000 Genomes Project 0.01510; ESP Exome Variant Server 0.01554; 1000 Genomes Project 30x 0.01602; TOPMed 0.01742.
gnomAD v4.1: 3,408 of 1,185,945 alleles (0.29%); highest among the groups gnomAD compares: African/African-American, 5.1%; 67 homozygotes.

Submission:

PreventionGenetics, part of Exact Sciences
Classification: Benign for SHROOM2-related condition. Last evaluated: 2019-07-12. Review status: no assertion criteria provided. Collection method: clinical testing. Allele origin: germline.
Comment: This variant is classified as benign based on ACMG/AMP sequence variant interpretation guidelines (Richards et al. 2015 PMID: 25741868, with internal and published modifications).

NM_001649.4(SHROOM2):c.2826C>A (p.Asp942Glu)

Gene: SHROOM2 (shroom family member 2; plus strand). Cytogenetic location: Xp22.2.
Variant type: single nucleotide variant.
Coding change: c.2826C>A on transcript NM_001649.4 (MANE Select); coding-DNA position 2826, C replaced by A.
Protein change: p.Asp942Glu; replaces aspartic acid 942 with glutamic acid.
Molecular consequence: missense variant.
Genome position (GRCh38, 1-based): chrX:9,898,225, C>A. VCF-style: chrX-9898225-C-A. GRCh37 (hg19) VCF-style: chrX-9866265-C-A.
Other names: short protein forms D942E.
Identifiers: ClinVar variation 3056143 (VCV003056143.2), dbSNP rs16985780, ClinGen allele CA10345631.